The following is an entry in ClinVar:

ClinVar aggregate classification (germline): Uncertain significance (1 of 4 stars; one submission).

Submission:

Labcorp Genetics (formerly Invitae), Labcorp
Classification: Uncertain significance. Last evaluated: 2022-05-21. Review status: criteria provided, single submitter. Criteria: Invitae Variant Classification Sherloc (09022015). Collection method: clinical testing. Allele origin: germline.
Comment: Algorithms developed to predict the effect of sequence changes on RNA splicing suggest that this variant may create or strengthen a splice site. Algorithms developed to predict the effect of missense changes on protein structure and function are either unavailable or do not agree on the potential impact of this missense change (SIFT: "Tolerated"; PolyPhen-2: "Probably Damaging"; Align-GVGD: "Class C0"). This variant has not been reported in the literature in individuals affected with RELA-related conditions. This variant is not present in population databases (gnomAD no frequency). This sequence change replaces glutamic acid, which is acidic and polar, with glutamine, which is neutral and polar, at codon 22 of the RELA protein (p.Glu22Gln). In summary, the available evidence is currently insufficient to determine the role of this variant in disease. Therefore, it has been classified as a Variant of Uncertain Significance.

NM_021975.4(RELA):c.64G>C (p.Glu22Gln)

Gene: RELA (RELA proto-oncogene, NF-kB subunit; minus strand). Cytogenetic location: 11q13.1.
Variant type: single nucleotide variant.
Coding change: c.64G>C on transcript NM_021975.4 (MANE Select); coding-DNA position 64, G replaced by C.
Protein change: p.Glu22Gln; replaces glutamic acid 22 with glutamine.
Molecular consequence: missense variant.
Genome position (GRCh38, 1-based): chr11:65,662,059, C>G on the plus strand (G>C on the coding strand, the complement: RELA is on the minus strand). VCF-style: chr11-65662059-C-G. GRCh37 (hg19) VCF-style: chr11-65429530-C-G.
Other names: c.64G>C, p.Glu22Gln (NM_001145138.2, NM_001243984.2, NM_001243985.2 and 3 more transcripts); c.37G>C, p.Glu13Gln (NM_001404658.1); c.-226G>C (NM_001404661.1); c.-30G>C (NM_001404662.1, NM_001404663.1); short protein forms E22Q, E13Q.
Identifiers: ClinVar variation 1997567 (VCV001997567.4), dbSNP rs2496870152, ClinGen allele CA381395072.